The following is an entry in ClinVar:

NM_003901.4(SGPL1):c.1204G>A (p.Ala402Thr)

Gene: SGPL1 (sphingosine-1-phosphate lyase 1; plus strand). Cytogenetic location: 10q22.1.
Variant type: single nucleotide variant.
Coding change: c.1204G>A on transcript NM_003901.4 (MANE Select); coding-DNA position 1204, G replaced by A.
Protein change: p.Ala402Thr; replaces alanine 402 with threonine.
Molecular consequence: missense variant.
Genome position (GRCh38, 1-based): chr10:70,873,495, G>A. VCF-style: chr10-70873495-G-A. GRCh37 (hg19) VCF-style: chr10-72633252-G-A.
Other names: short protein forms A402T.
Identifiers: ClinVar variation 1408318 (VCV001408318.7), dbSNP rs761684028, ClinGen allele CA5541398.

ClinVar aggregate classification (germline): Conflicting classifications of pathogenicity. Review status: criteria provided, conflicting classifications (1 of 4 stars). 2 submissions from 2 submitters: Uncertain significance (1); Likely benign (1). Last evaluated 2025-01-19.

Conditions:
Nephrotic syndrome 14. Also called: RENI SYNDROME; RENAL, ENDOCRINE, NEUROLOGIC, AND IMMUNE SYNDROME; Sphingosine Phosphate Lyase Insufficiency Syndrome. Identifiers: Orphanet 506334, MedGen C4540559, MONDO:0033203, OMIM 617575.

Allele frequency attached by ClinVar (database versions not stated): gnomAD 0.00005 and 0.00006; TOPMed 0.00006; ExAC 0.00003.
gnomAD v4.1: 62 of 1,614,132 alleles (0.0038%); highest among the groups gnomAD compares: Admixed American, 0.0083%; no homozygotes.

Submissions (2):

Labcorp Genetics (formerly Invitae), Labcorp
Classification: Uncertain significance. Last evaluated: 2025-01-19. Review status: criteria provided, single submitter. Criteria: Invitae Variant Classification Sherloc (09022015). Collection method: clinical testing. Allele origin: germline.
Comment: This sequence change replaces alanine, which is neutral and non-polar, with threonine, which is neutral and polar, at codon 402 of the SGPL1 protein (p.Ala402Thr). This variant is present in population databases (rs761684028, gnomAD 0.02%). This variant has not been reported in the literature in individuals affected with SGPL1-related conditions. ClinVar contains an entry for this variant (Variation ID: 1408318). Invitae Evidence Modeling of protein sequence and biophysical properties (such as structural, functional, and spatial information, amino acid conservation, physicochemical variation, residue mobility, and thermodynamic stability) indicates that this missense variant is expected to disrupt SGPL1 protein function with a positive predictive value of 80%. In summary, the available evidence is currently insufficient to determine the role of this variant in disease. Therefore, it has been classified as a Variant of Uncertain Significance.

3billion
Classification: Likely benign for Nephrotic syndrome 14. Last evaluated: 2024-09-20. Review status: criteria provided, single submitter. Criteria: ACMG Guidelines, 2015. Collection method: clinical testing. Allele origin: germline. Affected: no.
Comment: The homozygous variant was found in patients diagnosed with another variant in a different gene, with no symptoms related to the gene containing the homozygous variant.